The following is an entry in ClinVar:

NM_014946.4(SPAST):c.1004+2T>G

Gene: SPAST (spastin; plus strand). Cytogenetic location: 2p22.3.
Variant type: single nucleotide variant.
Coding change: c.1004+2T>G on transcript NM_014946.4 (MANE Select); the canonical splice donor site of the intron after coding-DNA position 1004, T replaced by G.
Molecular consequence: splice donor variant.
Genome position (GRCh38, 1-based): chr2:32,115,837, T>G. VCF-style: chr2-32115837-T-G. GRCh37 (hg19) VCF-style: chr2-32340906-T-G.
Other names: c.908+2T>G (NM_199436.2, NM_001377959.1); c.1001+2T>G (NM_001363823.2); c.905+2T>G (NM_001363875.2).
Identifiers: ClinVar variation 989099 (VCV000989099.7), dbSNP rs1553315240, ClinGen allele CA346499381.

ClinVar aggregate classification (germline): Pathogenic. Review status: criteria provided, multiple submitters, no conflicts (2 of 4 stars). 2 submissions from 2 submitters: Pathogenic (2). Last evaluated 2022-10-28.

Conditions:
Hereditary spastic paraplegia 4. Also called: Spastic paraplegia 4, autosomal dominant; Spastic Paraplegia 4; Familial spastic paraplegia autosomal dominant 2. Identifiers: Orphanet 100985, MedGen C1866855, MONDO:0008438, OMIM 182601.

Allele frequency attached by ClinVar (database versions not stated): gnomAD exomes below 0.00001.
gnomAD v4.1: 1 of 1,604,898 alleles (0.000062%); highest among the groups gnomAD compares: Non-Finnish European, 0.000085%; no homozygotes.

Submissions (2):

Labcorp Genetics (formerly Invitae), Labcorp
Classification: Pathogenic for Hereditary spastic paraplegia 4. Last evaluated: 2022-10-28. Review status: criteria provided, single submitter. Criteria: Invitae Variant Classification Sherloc (09022015). Collection method: clinical testing. Allele origin: germline.
Comment: For these reasons, this variant has been classified as Pathogenic. Algorithms developed to predict the effect of sequence changes on RNA splicing suggest that this variant may disrupt the consensus splice site. ClinVar contains an entry for this variant (Variation ID: 989099). This variant is also known as 1129+2T>G. Disruption of this splice site has been observed in individuals with hereditary spastic paraplegia (PMID: 10699187, 25421405, 27334366). This variant is not present in population databases (gnomAD no frequency). This sequence change affects a donor splice site in intron 6 of the SPAST gene. It is expected to disrupt RNA splicing. Variants that disrupt the donor or acceptor splice site typically lead to a loss of protein function (PMID: 16199547), and loss-of-function variants in SPAST are known to be pathogenic (PMID: 20932283).

Paris Brain Institute, Inserm - ICM
Classification: Pathogenic for Hereditary spastic paraplegia 4. Review status: criteria provided, single submitter. Criteria: ACMG Guidelines, 2015. Collection method: clinical testing. Allele origin: unknown. Affected: yes. Observed: 2 variant alleles.

Literature cited by the submitters: PubMed 10699187 (cited by Labcorp Genetics (formerly Invitae), Labcorp); PubMed 25421405 (cited by Labcorp Genetics (formerly Invitae), Labcorp); PubMed 27334366 (cited by Labcorp Genetics (formerly Invitae), Labcorp); PubMed 16199547 (cited by Labcorp Genetics (formerly Invitae), Labcorp); PubMed 20932283 (cited by Labcorp Genetics (formerly Invitae), Labcorp).